The following is an entry in ClinVar:

NM_001378418.1(TCF20):c.3288G>A (p.Glu1096=)

Gene: TCF20 (transcription factor 20; minus strand). Cytogenetic location: 22q13.2.
Variant type: single nucleotide variant.
Coding change: c.3288G>A on transcript NM_001378418.1 (MANE Select); coding-DNA position 3288, G replaced by A.
Protein change: p.Glu1096=; no amino-acid change (glutamic acid 1096 retained).
Molecular consequence: synonymous variant.
Genome position (GRCh38, 1-based): chr22:42,212,018, C>T on the plus strand (G>A on the coding strand, the complement: TCF20 is on the minus strand). VCF-style: chr22-42212018-C-T. GRCh37 (hg19) VCF-style: chr22-42608024-C-T.
Other names: c.3288G>A, p.Glu1096= (NM_005650.4, NM_181492.3); c.3288G>A (NM_005650.3).
Identifiers: ClinVar variation 2078472 (VCV002078472.30), dbSNP rs139144545, ClinGen allele CA10266854.

ClinVar aggregate classification (germline): Likely benign. Review status: criteria provided, multiple submitters, no conflicts (2 of 4 stars). 4 submissions from 4 submitters: Likely benign (3). 1 of the submissions does not count toward it. Last evaluated 2024-01-29.

Conditions:
TCF20-related disorder. Also called: TCF20-related condition.

Allele frequency attached by ClinVar (database versions not stated): gnomAD 0.00008; TOPMed 0.00008; ESP Exome Variant Server 0.00015; 1000 Genomes Project 30x 0.00016; 1000 Genomes Project 0.00020.
gnomAD v4.1: 115 of 1,614,202 alleles (0.0071%); highest among the groups gnomAD compares: Non-Finnish European, 0.0088%; no homozygotes.

Submissions (4):

Blueprint Genetics
Classification: Likely benign. Last evaluated: 2024-01-29. Review status: criteria provided, single submitter. Criteria: ACMG Guidelines, 2015. Collection method: clinical testing. Allele origin: germline.

Labcorp Genetics (formerly Invitae), Labcorp
Classification: Likely benign. Last evaluated: 2023-08-04. Review status: criteria provided, single submitter. Criteria: Invitae Variant Classification Sherloc (09022015). Collection method: clinical testing. Allele origin: germline.

CeGaT Center for Human Genetics Tuebingen
Classification: Likely benign. Last evaluated: 2023-01-01. Review status: criteria provided, single submitter. Criteria: CeGaT Center For Human Genetics Tuebingen Variant Classification Criteria Version 2. Collection method: clinical testing. Allele origin: germline. Affected: yes. Observed: 1 variant allele.
Comment: TCF20: BP4, BP7

PreventionGenetics, part of Exact Sciences
Classification: Likely benign for TCF20-related condition. Last evaluated: 2019-08-26. Review status: no assertion criteria provided. Collection method: clinical testing. Allele origin: germline. Not counted in ClinVar's aggregate classification.
Comment: This variant is classified as likely benign based on ACMG/AMP sequence variant interpretation guidelines (Richards et al. 2015 PMID: 25741868, with internal and published modifications).